The following is an entry in ClinVar:

NM_000264.5(PTCH1):c.2413A>G (p.Ile805Val)

Genes: PTCH1 (patched 1; minus strand), LOC100507346 (uncharacterized LOC100507346; plus strand). Cytogenetic location: 9q22.32.
Variant type: single nucleotide variant.
Coding change: c.2413A>G on transcript NM_000264.5 (MANE Select); coding-DNA position 2413, A replaced by G.
Protein change: p.Ile805Val; replaces isoleucine 805 with valine.
Molecular consequence: missense variant.
Genome position (GRCh38, 1-based): chr9:95,467,263, T>C on the plus strand (A>G on the coding strand, the complement: PTCH1 is on the minus strand). VCF-style: chr9-95467263-T-C. GRCh37 (hg19) VCF-style: chr9-98229545-T-C.
Other names: c.2215A>G, p.Ile739Val (NM_001083602.3); c.2410A>G, p.Ile804Val (NM_001083603.3); c.1960A>G, p.Ile654Val (NM_001083604.3, NM_001083605.3, NM_001083606.3 and 1 more transcripts); c.2257A>G, p.Ile753Val (NM_001354918.2); short protein forms I805V, I739V, I804V, I753V, I654V.
Identifiers: ClinVar variation 524567 (VCV000524567.12), dbSNP rs1554694372, ClinGen allele CA374114282.

ClinVar aggregate classification (germline): Uncertain significance. Review status: criteria provided, multiple submitters, no conflicts (2 of 4 stars). 4 submissions from 4 submitters: Uncertain significance (4). Last evaluated 2025-03-31.

Conditions:
Hereditary cancer-predisposing syndrome. Also called: Neoplastic Syndromes, Hereditary; Tumor predisposition; Hereditary Cancer Syndrome; Hereditary neoplastic syndrome. Identifiers: Orphanet 140162, MedGen C0027672, MeSH D009386, MONDO:0015356.
Holoprosencephaly 7 (HPE7). Identifiers: Orphanet 2162, MedGen C1835820, MONDO:0012562, OMIM 610828.
Basal cell carcinoma, susceptibility to, 1. Also called: BCC1. Identifiers: MedGen C2751544, MONDO:0011556, OMIM 605462.
Gorlin syndrome. Also called: Nevoid Basal Cell Carcinoma Syndrome; Basal cell nevus syndrome. Identifiers: Orphanet 377, MedGen C0004779, MONDO:0007187.

Allele frequency attached by ClinVar (database versions not stated): gnomAD exomes below 0.00001; TOPMed below 0.00001.
gnomAD v4.1: 2 of 1,614,246 alleles (0.00012%); highest among the groups gnomAD compares: Non-Finnish European, 0.00017%; no homozygotes.

Submissions (4):

Labcorp Genetics (formerly Invitae), Labcorp
Classification: Uncertain significance for Gorlin syndrome. Last evaluated: 2025-03-31. Review status: criteria provided, single submitter. Criteria: Invitae Variant Classification Sherloc (09022015). Collection method: clinical testing. Allele origin: germline.
Comment: This sequence change replaces isoleucine, which is neutral and non-polar, with valine, which is neutral and non-polar, at codon 805 of the PTCH1 protein (p.Ile805Val). This variant is not present in population databases (gnomAD no frequency). This variant has not been reported in the literature in individuals affected with PTCH1-related conditions. ClinVar contains an entry for this variant (Variation ID: 524567). Invitae Evidence Modeling of protein sequence and biophysical properties (such as structural, functional, and spatial information, amino acid conservation, physicochemical variation, residue mobility, and thermodynamic stability) indicates that this missense variant is not expected to disrupt PTCH1 protein function with a negative predictive value of 95%. In summary, the available evidence is currently insufficient to determine the role of this variant in disease. Therefore, it has been classified as a Variant of Uncertain Significance.

Ambry Genetics
Classification: Uncertain significance for Hereditary cancer-predisposing syndrome. Last evaluated: 2024-03-09. Review status: criteria provided, single submitter. Criteria: Ambry Variant Classification Scheme 2023. Collection method: clinical testing. Allele origin: germline.
Comment: The p.I805V variant (also known as c.2413A>G), located in coding exon 15 of the PTCH1 gene, results from an A to G substitution at nucleotide position 2413. The isoleucine at codon 805 is replaced by valine, an amino acid with highly similar properties. This amino acid position is conserved. In addition, this alteration is predicted to be tolerated by in silico analysis. Based on the available evidence, the clinical significance of this alteration remains unclear.

Fulgent Genetics
Classification: Uncertain significance for Basal cell nevus syndrome 1; Basal cell carcinoma, susceptibility to, 1; Holoprosencephaly 7. Last evaluated: 2021-10-07. Review status: criteria provided, single submitter. Criteria: ACMG Guidelines, 2015. Collection method: clinical testing. Allele origin: unknown.

GeneDx
Classification: Uncertain significance. Last evaluated: 2021-03-31. Review status: criteria provided, single submitter. Criteria: GeneDx Variant Classification Process June 2021. Collection method: clinical testing. Allele origin: germline. Affected: yes.
Comment: Not observed in large population cohorts (Lek et al., 2016); In silico analysis supports that this missense variant does not alter protein structure/function; Has not been previously published as pathogenic or benign to our knowledge; In silico analysis, which includes splice predictors and evolutionary conservation, suggests this variant may impact gene splicing. In the absence of RNA/functional studies, the actual effect of this sequence change is unknown.